The following is an entry in ClinVar:

NM_001034850.3(RETREG1):c.*235C>A

Gene: RETREG1 (reticulophagy regulator 1; minus strand). Cytogenetic location: 5p15.1.
Variant type: single nucleotide variant.
Coding change: c.*235C>A on transcript NM_001034850.3 (MANE Select); 235 bases downstream of the stop codon, C replaced by A.
Molecular consequence: 3 prime UTR variant.
Genome position (GRCh38, 1-based): chr5:16,474,506, G>T on the plus strand (C>A on the coding strand, the complement: RETREG1 is on the minus strand). VCF-style: chr5-16474506-G-T. GRCh37 (hg19) VCF-style: chr5-16474615-G-T.
Other names: c.*235C>A (NM_019000.5).
Identifiers: ClinVar variation 907864 (VCV000907864.4), dbSNP rs144074026, ClinGen allele CA114753901.

ClinVar aggregate classification (germline): Benign (1 of 4 stars; one submission).

Conditions:
Neuropathy, hereditary sensory and autonomic, type 2B (HSAN2B). Also called: RETREG1-Related HSAN2 (HSAN2B). Identifiers: Orphanet 970, MedGen C2751092, MONDO:0013142, OMIM 613115.

Allele frequency attached by ClinVar (database versions not stated): gnomAD 0.00519 and 0.00551; 1000 Genomes Project 0.00579; 1000 Genomes Project 30x 0.00593; TOPMed 0.00611.
gnomAD v4.1: 1,029 of 542,486 alleles (0.19%); highest among the groups gnomAD compares: African/African-American, 1.7%; 7 homozygotes.

Submission:

Illumina Laboratory Services, Illumina
Classification: Benign for Neuropathy, hereditary sensory and autonomic, type 2B. Last evaluated: 2018-01-13. Review status: criteria provided, single submitter. Criteria: ICSL Variant Classification Criteria 13 December 2019. Collection method: clinical testing. Allele origin: germline.
Comment: This variant was observed in the ICSL laboratory as part of a predisposition screen in an ostensibly healthy population. It had not been previously curated by ICSL or reported in the Human Gene Mutation Database (HGMD: prior to June 1st, 2018), and was therefore a candidate for classification through an automated scoring system. Utilizing variant allele frequency, disease prevalence and penetrance estimates, and inheritance mode, an automated score was calculated to assess if this variant is too frequent to cause the disease. Based on the score and internal cut-off values, a variant classified as benign is not then subjected to further curation. The score for this variant resulted in a classification of benign for this disease.